The following is an entry in ClinVar:

NM_021098.3(CACNA1H):c.6222C>T (p.Phe2074=)

Gene: CACNA1H (calcium voltage-gated channel subunit alpha1 H; plus strand). Cytogenetic location: 16p13.3.
Variant type: single nucleotide variant.
Coding change: c.6222C>T on transcript NM_021098.3 (MANE Select); coding-DNA position 6222, C replaced by T.
Protein change: p.Phe2074=; no amino-acid change (phenylalanine 2074 retained).
Molecular consequence: synonymous variant.
Genome position (GRCh38, 1-based): chr16:1,220,154, C>T. VCF-style: chr16-1220154-C-T. GRCh37 (hg19) VCF-style: chr16-1270154-C-T.
Other names: c.6204C>T, p.Phe2068= (NM_001005407.2).
Identifiers: ClinVar variation 718060 (VCV000718060.37), dbSNP rs373620549, ClinGen allele CA7802272.

ClinVar aggregate classification (germline): Benign/Likely benign. Review status: criteria provided, multiple submitters, no conflicts (2 of 4 stars). 5 submissions from 5 submitters: Benign (2); Likely benign (2). 1 of the submissions does not count toward it. Last evaluated 2025-12-22.

Conditions:
CACNA1H-related disorder.
Idiopathic generalized epilepsy. Also called: EIG; Generalised epilepsy. Identifiers: MedGen C0270850, MONDO:0005579, OMIM 600669.
Hyperaldosteronism, familial, type IV (HALD4). Also called: FH IV; ALDOSTERONISM, PRIMARY, AND HYPERTENSION. Identifiers: Orphanet 642671, MedGen C4310756, MONDO:0014875, OMIM 617027.
Epilepsy, childhood absence, susceptibility to, 6. Identifiers: Orphanet 64280, MedGen C2749872, MONDO:0012763, OMIM 611942.

Allele frequency attached by ClinVar (database versions not stated): gnomAD exomes 0.00013; ESP Exome Variant Server 0.00016; ExAC 0.00021; gnomAD 0.00044 and 0.00045; TOPMed 0.00047; 1000 Genomes Project 0.00060; 1000 Genomes Project 30x 0.00062.
gnomAD v4.1: 376 of 1,520,834 alleles (0.025%); highest among the groups gnomAD compares: African/African-American, 0.13%; no homozygotes.

Submissions (5):

Labcorp Genetics (formerly Invitae), Labcorp
Classification: Benign for Idiopathic generalized epilepsy; Hyperaldosteronism, familial, type IV. Last evaluated: 2025-12-22. Review status: criteria provided, single submitter. Criteria: Invitae Variant Classification Sherloc (09022015). Collection method: clinical testing. Allele origin: germline.

CeGaT Center for Human Genetics Tuebingen
Classification: Likely benign. Last evaluated: 2023-03-01. Review status: criteria provided, single submitter. Criteria: CeGaT Center For Human Genetics Tuebingen Variant Classification Criteria Version 2. Collection method: clinical testing. Allele origin: germline. Affected: yes. Observed: 2 variant alleles.
Comment: CACNA1H: BP4, BP7

Fulgent Genetics
Classification: Likely benign for Epilepsy, childhood absence, susceptibility to, 6; Hyperaldosteronism, familial, type IV. Last evaluated: 2021-08-19. Review status: criteria provided, single submitter. Criteria: ACMG Guidelines, 2015. Collection method: clinical testing. Allele origin: unknown.

Breakthrough Genomics
Classification: Benign. Review status: criteria provided, single submitter. Criteria: ACMG Guidelines, 2015. Collection method: not provided. Allele origin: germline. Inheritance: Autosomal dominant inheritance. Affected: yes.

PreventionGenetics, part of Exact Sciences
Classification: Likely benign for CACNA1H-related condition. Last evaluated: 2021-11-01. Review status: no assertion criteria provided. Collection method: clinical testing. Allele origin: germline. Not counted in ClinVar's aggregate classification.
Comment: This variant is classified as likely benign based on ACMG/AMP sequence variant interpretation guidelines (Richards et al. 2015 PMID: 25741868, with internal and published modifications).